The following is an entry in ClinVar:

NM_000492.4(CFTR):c.49_50del (p.Phe17fs)

Gene: CFTR (CF transmembrane conductance regulator; plus strand). Cytogenetic location: 7q31.2.
Variant type: Deletion.
Coding change: c.49_50del on transcript NM_000492.4 (MANE Select); coding-DNA positions 49 to 50, 2 bases deleted (TT; older notation c.49_50delTT).
Protein change: p.Phe17fs; shifts the reading frame from phenylalanine 17.
Molecular consequence: frameshift variant.
Genome position (GRCh38, 1-based): chr7:117,480,143-117,480,144, TT deleted; deleting any 2 consecutive bases within chr7:117,480,138-117,480,144 gives the same sequence; the c. name uses the placement nearest the transcript's 3' end. VCF-style (leftmost placement, unchanged base first): chr7-117480137-CTT-C. GRCh37 (hg19) VCF-style: chr7-117120191-CTT-C.
Other names: short protein forms F17fs.
Identifiers: ClinVar variation 1706048 (VCV001706048.3), dbSNP rs397508714, ClinGen allele CA2580076292.

ClinVar aggregate classification (germline): Pathogenic/Likely pathogenic. Review status: criteria provided, multiple submitters, no conflicts (2 of 4 stars). 2 submissions from 2 submitters: Pathogenic (1); Likely pathogenic (1). Last evaluated 2022-09-05.

Conditions:
Cystic fibrosis (CF). Also called: MUCOVISCIDOSIS. Identifiers: Orphanet 586, MedGen C0010674, MONDO:0009061, OMIM 219700. Disease mechanism: loss of function.

Submissions (2):

Institute of Human Genetics, University of Leipzig Medical Center
Classification: Likely pathogenic for Cystic fibrosis. Last evaluated: 2022-09-05. Review status: criteria provided, single submitter. Criteria: ACMG Guidelines, 2015. Collection method: curation. Allele origin: unknown. Affected: yes. Observed: 1 variant allele.
Comment: The variant was classified in the context of a project re-classifying variants in the German Cystic Fibrosis Registry (Muko.e.V.). Criteria applied: PVS1, PM2_SUP

Ambry Genetics
Classification: Pathogenic for Cystic fibrosis. Last evaluated: 2017-05-04. Review status: criteria provided, single submitter. Criteria: Ambry Variant Classification Scheme 2023. Collection method: clinical testing. Allele origin: germline.
Comment: The c.49_50delTT pathogenic mutation, located in coding exon 1 of the CFTR gene, results from a deletion of two nucleotides at nucleotide positions 49 to 50, causing a translational frameshift with a predicted alternate stop codon (p.Phe17Glnfs*27). This alteration is expected to result in loss of function by premature protein truncation or nonsense-mediated mRNA decay. As such, this alteration is interpreted as a disease-causing mutation.